The following is an entry in ClinVar:

NM_001025603.2(RFX5):c.1160C>G (p.Thr387Ser)

Gene: RFX5 (regulatory factor X5; minus strand). Cytogenetic location: 1q21.3.
Variant type: single nucleotide variant.
Coding change: c.1160C>G on transcript NM_001025603.2 (MANE Select); coding-DNA position 1160, C replaced by G.
Protein change: p.Thr387Ser; replaces threonine 387 with serine.
Molecular consequence: missense variant.
Genome position (GRCh38, 1-based): chr1:151,342,877, G>C on the plus strand (C>G on the coding strand, the complement: RFX5 is on the minus strand). VCF-style: chr1-151342877-G-C. GRCh37 (hg19) VCF-style: chr1-151315353-G-C.
Other names: c.1160C>G, p.Thr387Ser (NM_000449.4, NM_001379412.1, NM_001379413.1 and 5 more transcripts); c.1040C>G, p.Thr347Ser (NM_001379419.1, NM_001379420.1); short protein forms T347S, T387S.
Identifiers: ClinVar variation 1897841 (VCV001897841.5), dbSNP rs777478021, ClinGen allele CA1089652.
Genomic context (GRCh38, chr1:151,342,877, plus strand): 5'-GTGAGTCCCCCAGGTGGAGCTCGCCCAGGCCCAGGTCCAGGTCCAGGCAAAGCAGGAACA[G>C]TTGGTAAGATCATGTTAATGATGGGCACAGCTGCTGGGGGTGCCCCGGCCCTACTAGACA-3'
Protein context (NP_001020774.1, residues 377-397): AVPIINMILP[Thr387Ser]VPALPGPGPG

ClinVar aggregate classification (germline): Uncertain significance (1 of 4 stars; one submission).

Conditions:
MHC class II deficiency. Also called: Bare lymphocyte syndrome 2; BLS, TYPE II. Identifiers: Orphanet 572, MedGen C5447452, MONDO:0008855.

Allele frequency attached by ClinVar (database versions not stated): gnomAD exomes below 0.00001; ExAC 0.00001.
gnomAD v4.1: 1 of 1,614,214 alleles (0.000062%); highest among the groups gnomAD compares: Non-Finnish European, 0.000085%; no homozygotes.

Submission:

Labcorp Genetics (formerly Invitae), Labcorp
Classification: Uncertain significance for MHC class II deficiency. Last evaluated: 2022-08-08. Review status: criteria provided, single submitter. Criteria: Invitae Variant Classification Sherloc (09022015). Collection method: clinical testing. Allele origin: germline.
Comment: In summary, the available evidence is currently insufficient to determine the role of this variant in disease. Therefore, it has been classified as a Variant of Uncertain Significance. Algorithms developed to predict the effect of missense changes on protein structure and function (SIFT, PolyPhen-2, Align-GVGD) all suggest that this variant is likely to be tolerated. This variant has not been reported in the literature in individuals affected with RFX5-related conditions. This variant is present in population databases (rs777478021, gnomAD 0.0009%). This sequence change replaces threonine, which is neutral and polar, with serine, which is neutral and polar, at codon 387 of the RFX5 protein (p.Thr387Ser).